The following is an entry in ClinVar:

ClinVar aggregate classification (germline): Uncertain significance. Review status: criteria provided, multiple submitters, no conflicts (2 of 4 stars). 2 submissions from 2 submitters: Uncertain significance (2). Last evaluated 2022-08-20.

Conditions:
Autosomal recessive nonsyndromic hearing loss 66 (DFNB66). Also called: Deafness, autosomal recessive 66. Identifiers: Orphanet 90636, MedGen C1857750, MONDO:0012442, OMIM 610212.
Isolated neonatal sclerosing cholangitis (NSC). Also called: Sclerosing cholangitis, neonatal. Identifiers: Orphanet 480556, MedGen C4479344, MONDO:0018816, OMIM 617394.

Allele frequency attached by ClinVar (database versions not stated): TOPMed below 0.00001; gnomAD 0.00001; gnomAD exomes 0.00001 and 0.00002.
gnomAD v4.1: 27 of 1,610,554 alleles (0.0017%); highest among the groups gnomAD compares: Non-Finnish European, 0.0023%; no homozygotes.

Submissions (2):

Labcorp Genetics (formerly Invitae), Labcorp
Classification: Uncertain significance for Autosomal recessive nonsyndromic hearing loss 66; Isolated neonatal sclerosing cholangitis. Last evaluated: 2022-08-20. Review status: criteria provided, single submitter. Criteria: Invitae Variant Classification Sherloc (09022015). Collection method: clinical testing. Allele origin: germline.
Comment: Algorithms developed to predict the effect of missense changes on protein structure and function are either unavailable or do not agree on the potential impact of this missense change (SIFT: "Deleterious"; PolyPhen-2: "Probably Damaging"; Align-GVGD: "Class C0"). In summary, the available evidence is currently insufficient to determine the role of this variant in disease. Therefore, it has been classified as a Variant of Uncertain Significance. ClinVar contains an entry for this variant (Variation ID: 596438). This variant has not been reported in the literature in individuals affected with DCDC2-related conditions. This variant is present in population databases (rs753636454, gnomAD 0.0009%). This sequence change replaces arginine, which is basic and polar, with tryptophan, which is neutral and slightly polar, at codon 342 of the DCDC2 protein (p.Arg342Trp).

Eurofins Ntd Llc (ga)
Classification: Uncertain significance. Last evaluated: 2018-03-06. Review status: criteria provided, single submitter. Criteria: EGL ClinVar v180209 classification definitions. Collection method: clinical testing. Allele origin: germline. Observed: 1 variant allele, 1 heterozygote.

NM_016356.5(DCDC2):c.1024A>T (p.Arg342Trp)

Gene: DCDC2 (doublecortin domain containing 2; minus strand). Cytogenetic location: 6p22.3.
Variant type: single nucleotide variant.
Coding change: c.1024A>T on transcript NM_016356.5 (MANE Select); coding-DNA position 1024, A replaced by T.
Protein change: p.Arg342Trp; replaces arginine 342 with tryptophan.
Molecular consequence: missense variant.
Genome position (GRCh38, 1-based): chr6:24,178,632, T>A on the plus strand (A>T on the coding strand, the complement: DCDC2 is on the minus strand). VCF-style: chr6-24178632-T-A. GRCh37 (hg19) VCF-style: chr6-24178860-T-A.
Other names: c.1024A>T, p.Arg342Trp (NM_001195610.2); short protein forms R342W.
Identifiers: ClinVar variation 596438 (VCV000596438.9), dbSNP rs753636454, ClinGen allele CA136622223.